The following is an entry in ClinVar:

ClinVar aggregate classification (germline): Likely benign (1 of 4 stars; one submission).

Allele frequency attached by ClinVar (database versions not stated): ExAC 0.00002; gnomAD 0.00003; TOPMed 0.00005.
gnomAD v4.1: 17 of 1,614,110 alleles (0.0011%); highest among the groups gnomAD compares: Admixed American, 0.0017%; no homozygotes.

Submission:

CeGaT Center for Human Genetics Tuebingen
Classification: Likely benign. Last evaluated: 2023-10-01. Review status: criteria provided, single submitter. Criteria: CeGaT Center For Human Genetics Tuebingen Variant Classification Criteria Version 2. Collection method: clinical testing. Allele origin: germline. Affected: yes. Observed: 1 variant allele.
Comment: EBF3: BP4, BP7

NM_001375380.1(EBF3):c.1353G>A (p.Thr451=)

Gene: EBF3 (EBF transcription factor 3; minus strand). Cytogenetic location: 10q26.3.
Variant type: single nucleotide variant.
Coding change: c.1353G>A on transcript NM_001375380.1 (MANE Select); coding-DNA position 1353, G replaced by A.
Protein change: p.Thr451=; no amino-acid change (threonine 451 retained).
Molecular consequence: synonymous variant.
Genome position (GRCh38, 1-based): chr10:129,842,135, C>T on the plus strand (G>A on the coding strand, the complement: EBF3 is on the minus strand). VCF-style: chr10-129842135-C-T. GRCh37 (hg19) VCF-style: chr10-131640399-C-T.
Other names: c.1326G>A, p.Thr442= (NM_001005463.3, NM_001375390.1, NM_001375392.1); c.1353G>A, p.Thr451= (NM_001375379.1, NM_001375389.1, NM_001375391.1).
Identifiers: ClinVar variation 2640972 (VCV002640972.24), dbSNP rs761645191, ClinGen allele CA5748398.